The following is an entry in ClinVar:

ClinVar aggregate classification (germline): Uncertain significance. Review status: criteria provided, multiple submitters, no conflicts (2 of 4 stars). 2 submissions from 2 submitters: Uncertain significance (2). Last evaluated 2025-05-06.

Conditions:
ITPR1-related disorder. Also called: ITPR1-related condition.

gnomAD v4.1: 13 of 1,613,114 alleles (0.00081%); highest among the groups gnomAD compares: African/African-American, 0.0013%; no homozygotes.

Submissions (2):

PreventionGenetics, part of Exact Sciences
Classification: Uncertain significance for ITPR1-related condition. Last evaluated: 2025-05-06. Review status: criteria provided, single submitter. Criteria: ACMG Guidelines, 2015. Collection method: clinical testing. Allele origin: germline.
Comment: The ITPR1 c.4454C>T variant is predicted to result in the amino acid substitution p.Thr1485Met. To our knowledge, this variant has not been reported in the literature. This variant is reported in 0.00089% of alleles in individuals of European (Non-Finnish) descent in gnomAD. At this time, the clinical significance of this variant is uncertain due to the absence of conclusive functional and genetic evidence.

Athena Diagnostics
Classification: Uncertain significance. Last evaluated: 2023-10-21. Review status: criteria provided, single submitter. Criteria: Athena Diagnostics Criteria. Collection method: clinical testing. Allele origin: unknown.
Comment: Available data are insufficient to determine the clinical significance of the variant at this time. The frequency of this variant in the general population is uninformative in assessment of its pathogenicity. Computational tools predict that this variant is damaging.

NM_001378452.1(ITPR1):c.4526C>T (p.Thr1509Met)

Gene: ITPR1 (inositol 1,4,5-trisphosphate receptor type 1; plus strand). Cytogenetic location: 3p26.1.
Variant type: single nucleotide variant.
Coding change: c.4526C>T on transcript NM_001378452.1 (MANE Select); coding-DNA position 4526, C replaced by T.
Protein change: p.Thr1509Met; replaces threonine 1509 with methionine.
Molecular consequence: missense variant.
Genome position (GRCh38, 1-based): chr3:4,699,931, C>T. VCF-style: chr3-4699931-C-T. GRCh37 (hg19) VCF-style: chr3-4741615-C-T.
Other names: c.4481C>T (NM_001168272.1); c.4499C>T, p.Thr1500Met (NM_001099952.4); c.4481C>T, p.Thr1494Met (NM_001168272.2); c.4454C>T, p.Thr1485Met (NM_002222.7); short protein forms T1485M, T1494M, T1500M, T1509M.
Identifiers: ClinVar variation 2634704 (VCV002634704.3), dbSNP rs370021605, ClinGen allele CA68803579.
Genomic context (GRCh38, chr3:4,699,931, plus strand): 5'-CCGAAATCGTCATGAGTATTGTTACTACTTTCTTCAGCTCTCCCTTCTCAGACCAGAGTA[C>T]GACTTTGCAGGTAAGAAATAACCAACGTCAAGCAGAATGTTCACGATACACCTTCTGCAG-3'
Protein context (NP_001365381.1, residues 1499-1519): FFSSPFSDQS[Thr1509Met]TLQTRQPVFV